The following is an entry in ClinVar:

ClinVar aggregate classification (germline): Likely benign (1 of 4 stars; one submission).

Allele frequency attached by ClinVar (database versions not stated): gnomAD 0.00773 and 0.00815; TOPMed 0.00805; 1000 Genomes Project 30x 0.00957; 1000 Genomes Project 0.00980.
gnomAD v4.1: 820 of 106,579 alleles (0.77%); highest among the groups gnomAD compares: African/African-American, 2.6%; 9 homozygotes.

Submission:

GeneDx
Classification: Likely benign. Last evaluated: 2018-06-19. Review status: criteria provided, single submitter. Criteria: GeneDx Variant Classification (06012015). Collection method: clinical testing. Allele origin: germline. Affected: yes.
Comment: This variant is considered likely benign or benign based on one or more of the following criteria: it is a conservative change, it occurs at a poorly conserved position in the protein, it is predicted to be benign by multiple in silico algorithms, and/or has population frequency not consistent with disease.

NM_000032.5(ALAS2):c.1004-174G>A

Gene: ALAS2 (5'-aminolevulinate synthase 2; minus strand). Cytogenetic location: Xp11.21.
Variant type: single nucleotide variant.
Coding change: c.1004-174G>A on transcript NM_000032.5 (MANE Select); 174 bases into the intron before coding-DNA position 1004, G replaced by A.
Molecular consequence: intron variant.
Genome position (GRCh38, 1-based): chrX:55,015,916, C>T on the plus strand (G>A on the coding strand, the complement: ALAS2 is on the minus strand). VCF-style: chrX-55015916-C-T. GRCh37 (hg19) VCF-style: chrX-55042349-C-T.
Other names: c.893-174G>A (NM_001037967.4); c.965-174G>A (NM_001037968.4).
Identifiers: ClinVar variation 674111 (VCV000674111.1), dbSNP rs112634214, ClinGen allele CA328971202.
Genomic context (GRCh38, chrX:55,015,916, plus strand): 5'-GGAAGGAGGATGTGCGCCTTCATTTAGAACTATTACAAACCTCTGTGTATGGATCGATTG[C>T]CTGTATCTCATCCCTGCCTTCTCTCTCTCTCTCTCTGTCTCTCTGTGTGTGTGTGTGTGT-3'